The following is an entry in ClinVar:

NM_001098511.3(KIF2A):c.1760+3del

Gene: KIF2A (kinesin family member 2A; plus strand). Cytogenetic location: 5q12.1.
Variant type: Deletion.
Coding change: c.1760+3del on transcript NM_001098511.3 (MANE Select); 3 bases into the intron after coding-DNA position 1760, one base deleted (C; older notation c.1760+3delC).
Molecular consequence: intron variant.
Genome position (GRCh38, 1-based): chr5:62,372,554, C deleted. VCF-style (leftmost placement, unchanged base first): chr5-62372553-TC-T. GRCh37 (hg19) VCF-style: chr5-61668380-TC-T.
Other names: c.1566-1133del (NM_001243952.2); c.1647-1133del (NM_004520.5); c.1590-1133del (NM_001243953.2).
Identifiers: ClinVar variation 2811558 (VCV002811558.3), dbSNP rs2531378497, ClinGen allele CA2739274747.

ClinVar aggregate classification (germline): Uncertain significance (1 of 4 stars; one submission).

Submission:

Labcorp Genetics (formerly Invitae), Labcorp
Classification: Uncertain significance. Last evaluated: 2023-08-07. Review status: criteria provided, single submitter. Criteria: Invitae Variant Classification Sherloc (09022015). Collection method: clinical testing. Allele origin: germline.
Comment: In summary, the available evidence is currently insufficient to determine the role of this variant in disease. Therefore, it has been classified as a Variant of Uncertain Significance. Variants that disrupt the consensus splice site are a relatively common cause of aberrant splicing (PMID: 17576681, 9536098). Algorithms developed to predict the effect of sequence changes on RNA splicing suggest that this variant is not likely to affect RNA splicing. This variant has not been reported in the literature in individuals affected with KIF2A-related conditions. This variant is not present in population databases (gnomAD no frequency). This sequence change falls in intron 17 of the KIF2A gene. It does not directly change the encoded amino acid sequence of the KIF2A protein. It affects a nucleotide within the consensus splice site.

Literature cited by the submitters: PubMed 17576681; PubMed 9536098.